The following is an entry in ClinVar:

ClinVar aggregate classification (germline): Likely benign. Review status: criteria provided, multiple submitters, no conflicts (2 of 4 stars). 5 submissions from 5 submitters: Likely benign (4). 1 of the submissions does not count toward it. Last evaluated 2025-02-26.

Conditions:
Malignant hyperthermia, susceptibility to, 1 (MHS1). Also called: Anesthesia related hyperthermia; Malignant hyperpyrexia; Fulminating hyperpyrexia; Pharmacogenic myopathy; RYR1-Related Malignant Hyperthermia Susceptibility; Malignant hyperthermia suceptibility 1. Identifiers: Orphanet 423, MedGen C2930980, MONDO:0007783, OMIM 145600.
RYR1-related disorder. Also called: RYR1-related condition; RYR1-related disorders. Identifiers: MedGen CN239331.

Allele frequency attached by ClinVar (database versions not stated): gnomAD 0.00001 and 0.00002; TOPMed 0.00002; ExAC 0.00003; gnomAD exomes 0.00003 and 0.00005; 1000 Genomes Project 0.00020; 1000 Genomes Project 30x 0.00031.
gnomAD v4.1: 79 of 1,614,124 alleles (0.0049%); highest among the groups gnomAD compares: Non-Finnish European, 0.0061%; 1 homozygote.

Submissions (5):

Labcorp Genetics (formerly Invitae), Labcorp
Classification: Likely benign for RYR1-related disorder. Last evaluated: 2025-02-26. Review status: criteria provided, single submitter. Criteria: Invitae Variant Classification Sherloc (09022015). Collection method: clinical testing. Allele origin: germline.

Blueprint Genetics
Classification: Likely benign. Last evaluated: 2024-01-30. Review status: criteria provided, single submitter. Criteria: ACMG Guidelines, 2015. Collection method: clinical testing. Allele origin: germline.

Color Diagnostics, LLC DBA Color Health
Classification: Likely benign for Malignant hyperthermia, susceptibility to, 1. Last evaluated: 2022-11-06. Review status: criteria provided, single submitter. Criteria: ACMG Guidelines, 2015. Collection method: clinical testing. Allele origin: germline.

GeneDx
Classification: Likely benign. Last evaluated: 2017-07-24. Review status: criteria provided, single submitter. Criteria: GeneDx Variant Classification (06012015). Collection method: clinical testing. Allele origin: germline. Affected: yes.
Comment: This variant is considered likely benign or benign based on one or more of the following criteria: it is a conservative change, it occurs at a poorly conserved position in the protein, it is predicted to be benign by multiple in silico algorithms, and/or has population frequency not consistent with disease.

PreventionGenetics, part of Exact Sciences
Classification: Likely benign for RYR1-related condition. Last evaluated: 2021-08-02. Review status: no assertion criteria provided. Collection method: clinical testing. Allele origin: germline. Not counted in ClinVar's aggregate classification.
Comment: This variant is classified as likely benign based on ACMG/AMP sequence variant interpretation guidelines (Richards et al. 2015 PMID: 25741868, with internal and published modifications).

NM_000540.3(RYR1):c.8121C>T (p.Ala2707=)

Gene: RYR1 (ryanodine receptor 1; plus strand). Cytogenetic location: 19q13.2.
Variant type: single nucleotide variant.
Coding change: c.8121C>T on transcript NM_000540.3 (MANE Select); coding-DNA position 8121, C replaced by T.
Protein change: p.Ala2707=; no amino-acid change (alanine 2707 retained).
Molecular consequence: synonymous variant.
Genome position (GRCh38, 1-based): chr19:38,504,801, C>T. VCF-style: chr19-38504801-C-T. GRCh37 (hg19) VCF-style: chr19-38995441-C-T.
Other names: c.8121C>T, p.Ala2707= (NM_001042723.2).
Identifiers: ClinVar variation 510988 (VCV000510988.16), dbSNP rs569143131, ClinGen allele CA071511.
Genomic context (GRCh38, chr19:38,504,801, plus strand): 5'-TTCCCAGAAATACGACCCGGAGCTGTACCGCATGGCCATGCCTTGTCTGTGCGCCATTGC[C>T]GGGGCTCTGCCCCCCGACTATGTGGATGCCTCATACTCATCTAAGGCAGAGAAAAAGGCC-3'
Protein context (NP_000531.2, residues 2697-2717): RMAMPCLCAI[Ala2707=]GALPPDYVDA